The following is an entry in ClinVar:

ClinVar aggregate classification (germline): Uncertain significance (1 of 4 stars; one submission).

Allele frequency attached by ClinVar (database versions not stated): ExAC 0.00001; gnomAD exomes 0.00001.

Submission:

Labcorp Genetics (formerly Invitae), Labcorp
Classification: Uncertain significance. Last evaluated: 2022-03-21. Review status: criteria provided, single submitter. Criteria: Invitae Variant Classification Sherloc (09022015). Collection method: clinical testing. Allele origin: germline.
Comment: In summary, the available evidence is currently insufficient to determine the role of this variant in disease. Therefore, it has been classified as a Variant of Uncertain Significance. Algorithms developed to predict the effect of missense changes on protein structure and function are either unavailable or do not agree on the potential impact of this missense change (SIFT: "Not Available"; PolyPhen-2: "Benign"; Align-GVGD: "Not Available"). This variant has not been reported in the literature in individuals affected with GNMT-related conditions. This variant is present in population databases (rs777583238, gnomAD 0.009%). This sequence change replaces threonine with isoleucine at codon 206 of the GNMT protein (p.Thr206Ile). The threonine residue is moderately conserved and there is a moderate physicochemical difference between threonine and isoleucine.

NM_018960.6(GNMT):c.617C>T (p.Thr206Ile)

Genes: CNPY3-GNMT (CNPY3-GNMT readthrough; plus strand), GNMT (glycine N-methyltransferase; plus strand). Cytogenetic location: 6p21.1.
Variant type: single nucleotide variant.
Coding change: c.617C>T on transcript NM_018960.6 (MANE Select); coding-DNA position 617, C replaced by T.
Protein change: p.Thr206Ile; replaces threonine 206 with isoleucine.
Molecular consequence: missense variant. On other transcripts: non-coding transcript variant (4).
Genome position (GRCh38, 1-based): chr6:42,963,350, C>T. VCF-style: chr6-42963350-C-T. GRCh37 (hg19) VCF-style: chr6-42931088-C-T.
Other names: c.419C>T, p.Thr140Ile (NM_001318856.2); c.434C>T, p.Thr145Ile (NM_001318857.2); c.326C>T, p.Thr109Ile (NM_001318858.2); c.560C>T, p.Thr187Ile (NM_001318865.2); short protein forms T140I, T145I, T206I, T109I, T187I.
Identifiers: ClinVar variation 1450247 (VCV001450247.6), dbSNP rs777583238, ClinGen allele CA3810760.